The following is an entry in ClinVar:

NM_022356.4(P3H1):c.1367del (p.Gly456fs)

Gene: P3H1 (prolyl 3-hydroxylase 1; minus strand). Cytogenetic location: 1p34.2.
Variant type: Deletion.
Coding change: c.1367del on transcript NM_022356.4 (MANE Select); coding-DNA position 1367, one base deleted (G; older notation c.1367delG).
Protein change: p.Gly456fs; shifts the reading frame from glycine 456.
Molecular consequence: frameshift variant.
Genome position (GRCh38, 1-based): chr1:42,752,643, C deleted on the plus strand (G on the coding strand, the reverse complement: P3H1 is on the minus strand); the first of 2 consecutive C bases (chr1:42,752,643-42,752,644); deleting either gives the same sequence. VCF-style (leftmost placement, unchanged base first): chr1-42752642-GC-G. GRCh37 (hg19) VCF-style: chr1-43218313-GC-G.
Other names: c.1367del, p.Gly456fs (NM_001146289.2, NM_001243246.2); short protein forms G456fs.
Identifiers: ClinVar variation 2915084 (VCV002915084.3), dbSNP rs2524439054, ClinGen allele CA2739272488.

ClinVar aggregate classification (germline): Pathogenic (1 of 4 stars; one submission).

Conditions:
Osteogenesis imperfecta type 8 (OI8). Identifiers: MedGen C1970458, MONDO:0012581, OMIM 610915.

Submission:

Labcorp Genetics (formerly Invitae), Labcorp
Classification: Pathogenic for Osteogenesis imperfecta type 8. Last evaluated: 2023-12-17. Review status: criteria provided, single submitter. Criteria: Invitae Variant Classification Sherloc (09022015). Collection method: clinical testing. Allele origin: germline.
Comment: This sequence change creates a premature translational stop signal (p.Gly456Alafs*6) in the P3H1 gene. It is expected to result in an absent or disrupted protein product. Loss-of-function variants in P3H1 are known to be pathogenic (PMID: 17277775, 18566967, 19088120, 22281939). This variant is not present in population databases (gnomAD no frequency). This variant has not been reported in the literature in individuals affected with P3H1-related conditions. For these reasons, this variant has been classified as Pathogenic.

Literature cited by the submitters: PubMed 17277775; PubMed 18566967; PubMed 19088120; PubMed 22281939.